The following is an entry in ClinVar:

ClinVar aggregate classification (germline): Pathogenic (1 of 4 stars; one submission).

Conditions:
GNPTAB-mucolipidosis. Also called: UDP-N-acetylglucosamine-1-phosphotransferase subunit alpha/beta deficiency. Identifiers: MedGen CN322573, MONDO:0100122.

Submission:

Myriad Genetics, Inc.
Classification: Pathogenic for GNPTAB-mucolipidosis. Last evaluated: 2025-05-17. Review status: criteria provided, single submitter. Criteria: Myriad Autosomal Dominant, Autosomal Recessive and X-Linked Classification Criteria (2023). Collection method: clinical testing. Allele origin: unknown.
Comment: NM_024312.4(GNPTAB):c.3477delA(D1160Mfs*5) is expected to be pathogenic in the context of GNPTAB-related disorders. This variant is predicted to lead to an abnormal or absent protein product due to the creation of a premature termination codon in GNPTAB, a gene where loss-of-function variants are known to be pathogenic. Please note: this variant was assessed in the context of healthy population screening.

NM_024312.5(GNPTAB):c.3477del (p.Asp1160fs)

Gene: GNPTAB (N-acetylglucosamine-1-phosphate transferase subunits alpha and beta; minus strand). Cytogenetic location: 12q23.2.
Variant type: Deletion.
Coding change: c.3477del on transcript NM_024312.5 (MANE Select); coding-DNA position 3477, one base deleted (A; older notation c.3477delA).
Protein change: p.Asp1160fs; shifts the reading frame from aspartic acid 1160.
Molecular consequence: frameshift variant.
Genome position (GRCh38, 1-based): chr12:101,753,497, T deleted on the plus strand (A on the coding strand, the reverse complement: GNPTAB is on the minus strand); the first of 3 consecutive T bases (chr12:101,753,497-101,753,499); deleting any one gives the same sequence. VCF-style (leftmost placement, unchanged base first): chr12-101753496-CT-C. GRCh37 (hg19) VCF-style: chr12-102147274-CT-C.
Other names: short protein forms D1160fs.
Identifiers: ClinVar variation 5014455 (VCV005014455.1).